The following is an entry in ClinVar:

NM_001972.4(ELANE):c.742C>T (p.Arg248Cys)

Gene: ELANE (elastase, neutrophil expressed; plus strand). Cytogenetic location: 19p13.3.
Variant type: single nucleotide variant.
Coding change: c.742C>T on transcript NM_001972.4 (MANE Select); coding-DNA position 742, C replaced by T.
Protein change: p.Arg248Cys; replaces arginine 248 with cysteine.
Molecular consequence: missense variant.
Genome position (GRCh38, 1-based): chr19:856,102, C>T. VCF-style: chr19-856102-C-T. GRCh37 (hg19) VCF-style: chr19-856102-C-T.
Other names: c.742C>T (LRG_57t1); short protein forms R248C.
Identifiers: ClinVar variation 258500 (VCV000258500.3), dbSNP rs886038502, ClinGen allele CA10587350.

ClinVar aggregate classification (germline): Conflicting classifications of pathogenicity. Review status: criteria provided, conflicting classifications (1 of 4 stars). 2 submissions from 2 submitters: Uncertain significance (1); Likely benign (1). Last evaluated 2024-12-08.

Conditions:
Inborn genetic diseases. Identifiers: MedGen C0950123, MeSH D030342.

Allele frequency attached by ClinVar (database versions not stated): gnomAD exomes below 0.00001; TOPMed below 0.00001.
gnomAD v4.1: 5 of 1,613,250 alleles (0.00031%); highest among the groups gnomAD compares: South Asian, 0.0011%; no homozygotes.

Submissions (2):

Ambry Genetics
Classification: Uncertain significance for Inborn genetic diseases. Last evaluated: 2024-12-08. Review status: criteria provided, single submitter. Criteria: Ambry Variant Classification Scheme 2023. Collection method: clinical testing. Allele origin: germline.
Comment: The p.R248C variant (also known as c.742C>T), located in coding exon 5 of the ELANE gene, results from a C to T substitution at nucleotide position 742. The arginine at codon 248 is replaced by cysteine, an amino acid with highly dissimilar properties. This amino acid position is conserved. In addition, this alteration is predicted to be tolerated by in silico analysis. Based on the available evidence, the clinical significance of this variant remains unclear.

PreventionGenetics, part of Exact Sciences
Classification: Likely benign. Review status: criteria provided, single submitter. Criteria: ACMG Guidelines, 2015. Collection method: clinical testing. Allele origin: germline.